The following is an entry in ClinVar:

ClinVar aggregate classification (germline): Uncertain significance (1 of 4 stars; one submission).

Conditions:
Niemann-Pick disease, type C1. Also called: NEUROVISCERAL STORAGE DISEASE WITH VERTICAL SUPRANUCLEAR OPHTHALMOPLEGIA; NIEMANN-PICK DISEASE WITH CHOLESTEROL ESTERIFICATION BLOCK; NIEMANN-PICK DISEASE WITHOUT SPHINGOMYELINASE DEFICIENCY; NIEMANN-PICK DISEASE, CHRONIC NEURONOPATHIC FORM; NIEMANN-PICK DISEASE, VARIANT TYPE C1. Identifiers: Orphanet 646, MedGen C3179455, MONDO:0009757, OMIM 257220.

Allele frequency attached by ClinVar (database versions not stated): gnomAD exomes below 0.00001; gnomAD 0.00001; TOPMed 0.00002.
gnomAD v4.1: 3 of 1,614,064 alleles (0.00019%); highest among the groups gnomAD compares: African/African-American, 0.004%; no homozygotes.

Submission:

Labcorp Genetics (formerly Invitae), Labcorp
Classification: Uncertain significance for Niemann-Pick disease, type C1. Last evaluated: 2022-02-09. Review status: criteria provided, single submitter. Criteria: Invitae Variant Classification Sherloc (09022015). Collection method: clinical testing. Allele origin: germline.
Comment: This sequence change replaces leucine, which is neutral and non-polar, with glutamine, which is neutral and polar, at codon 1117 of the NPC1 protein (p.Leu1117Gln). This variant is not present in population databases (gnomAD no frequency). This variant has not been reported in the literature in individuals affected with NPC1-related conditions. Advanced modeling of protein sequence and biophysical properties (such as structural, functional, and spatial information, amino acid conservation, physicochemical variation, residue mobility, and thermodynamic stability) performed at Invitae indicates that this missense variant is expected to disrupt NPC1 protein function. Algorithms developed to predict the effect of sequence changes on RNA splicing suggest that this variant may create or strengthen a splice site. In summary, the available evidence is currently insufficient to determine the role of this variant in disease. Therefore, it has been classified as a Variant of Uncertain Significance.

NM_000271.5(NPC1):c.3350T>A (p.Leu1117Gln)

Gene: NPC1 (NPC intracellular cholesterol transporter 1; minus strand). Cytogenetic location: 18q11.2.
Variant type: single nucleotide variant.
Coding change: c.3350T>A on transcript NM_000271.5 (MANE Select); coding-DNA position 3350, T replaced by A.
Protein change: p.Leu1117Gln; replaces leucine 1117 with glutamine.
Molecular consequence: missense variant.
Genome position (GRCh38, 1-based): chr18:23,535,596, A>T on the plus strand (T>A on the coding strand, the complement: NPC1 is on the minus strand). VCF-style: chr18-23535596-A-T. GRCh37 (hg19) VCF-style: chr18-21115560-A-T.
Other names: short protein forms L1117Q.
Identifiers: ClinVar variation 2199684 (VCV002199684.1), dbSNP rs1312902967, ClinGen allele CA401791395.